The following is an entry in ClinVar:

NM_198253.3(TERT):c.3371C>T (p.Pro1124Leu)

Gene: TERT (telomerase reverse transcriptase; minus strand). Cytogenetic location: 5p15.33.
Variant type: single nucleotide variant.
Coding change: c.3371C>T on transcript NM_198253.3 (MANE Select); coding-DNA position 3371, C replaced by T.
Protein change: p.Pro1124Leu; replaces proline 1124 with leucine.
Molecular consequence: missense variant. On other transcripts: non-coding transcript variant (2).
Genome position (GRCh38, 1-based): chr5:1,253,756, G>A on the plus strand (C>T on the coding strand, the complement: TERT is on the minus strand). VCF-style: chr5-1253756-G-A. GRCh37 (hg19) VCF-style: chr5-1253871-G-A.
Other names: c.3182C>T, p.Pro1061Leu (NM_001193376.3); short protein forms P1124L, P1061L.
Identifiers: ClinVar variation 1516395 (VCV001516395.8), dbSNP rs2126556867, ClinGen allele CA359066548.

ClinVar aggregate classification (germline): Uncertain significance (1 of 4 stars; one submission).

Conditions:
Dyskeratosis congenita, autosomal dominant 2. Identifiers: MedGen C3151443, MONDO:0013521, OMIM 613989.
Idiopathic Pulmonary Fibrosis. Also called: Idiopathic fibrosing alveolitis, chronic form; idiopathic fibrosing alveolitis. Identifiers: Orphanet 2032, MedGen C1800706, MeSH D054990, MONDO:0800504.

Submission:

Labcorp Genetics (formerly Invitae), Labcorp
Classification: Uncertain significance for Dyskeratosis congenita, autosomal dominant 2; Idiopathic Pulmonary Fibrosis. Last evaluated: 2021-03-13. Review status: criteria provided, single submitter. Criteria: Invitae Variant Classification Sherloc (09022015). Collection method: clinical testing. Allele origin: germline.
Comment: This sequence change replaces proline with leucine at codon 1124 of the TERT protein (p.Pro1124Leu). The proline residue is weakly conserved and there is a moderate physicochemical difference between proline and leucine. In summary, the available evidence is currently insufficient to determine the role of this variant in disease. Therefore, it has been classified as a Variant of Uncertain Significance. Advanced modeling of protein sequence and biophysical properties (such as structural, functional, and spatial information, amino acid conservation, physicochemical variation, residue mobility, and thermodynamic stability) performed at Invitae indicates that this missense variant is not expected to disrupt TERT protein function. This variant has not been reported in the literature in individuals with TERT-related conditions. This variant is not present in population databases (ExAC no frequency).